The following is an entry in ClinVar:

NM_003673.4(TCAP):c.317G>T (p.Arg106Leu)

Gene: TCAP (titin-cap; plus strand). Cytogenetic location: 17q12.
Variant type: single nucleotide variant.
Coding change: c.317G>T on transcript NM_003673.4 (MANE Select); coding-DNA position 317, G replaced by T.
Protein change: p.Arg106Leu; replaces arginine 106 with leucine.
Molecular consequence: missense variant.
Genome position (GRCh38, 1-based): chr17:39,665,922, G>T. VCF-style: chr17-39665922-G-T. GRCh37 (hg19) VCF-style: chr17-37822175-G-T.
Other names: short protein forms R106L.
Identifiers: ClinVar variation 658818 (VCV000658818.13), dbSNP rs576098128, ClinGen allele CA399305094.

ClinVar aggregate classification (germline): Uncertain significance. Review status: criteria provided, multiple submitters, no conflicts (2 of 4 stars). 2 submissions from 2 submitters: Uncertain significance (2). Last evaluated 2026-01-04.

Conditions:
Primary familial hypertrophic cardiomyopathy (HCM). Identifiers: Orphanet 99739, MedGen C0949658, MeSH D024741, MONDO:0024573. Inheritance: Various modes of inheritance.
Hypertrophic cardiomyopathy 25 (CMH25). Also called: CARDIOMYOPATHY, FAMILIAL HYPERTROPHIC, 25. Identifiers: MedGen C4225408, MONDO:0011843, OMIM 607487.
Cardiovascular phenotype. Identifiers: MedGen CN230736.

Submissions (2):

Labcorp Genetics (formerly Invitae), Labcorp
Classification: Uncertain significance for Hypertrophic cardiomyopathy 25; Primary familial hypertrophic cardiomyopathy. Last evaluated: 2026-01-04. Review status: criteria provided, single submitter. Criteria: Invitae Variant Classification Sherloc (09022015). Collection method: clinical testing. Allele origin: germline.
Comment: This sequence change replaces arginine, which is basic and polar, with leucine, which is neutral and non-polar, at codon 106 of the TCAP protein (p.Arg106Leu). This variant is not present in population databases (gnomAD no frequency). This missense change has been observed in individual(s) with limb Girdle muscular weakness (limb Girdle muscular weakness). ClinVar contains an entry for this variant (Variation ID: 658818). An algorithm developed to predict the effect of missense changes on protein structure and function (PolyPhen-2) suggests that this variant is likely to be disruptive. In summary, the available evidence is currently insufficient to determine the role of this variant in disease. Therefore, it has been classified as a Variant of Uncertain Significance.

Ambry Genetics
Classification: Uncertain significance for Cardiovascular phenotype. Last evaluated: 2023-06-06. Review status: criteria provided, single submitter. Criteria: Ambry Variant Classification Scheme 2023. Collection method: clinical testing. Allele origin: germline.
Comment: The p.R106L variant (also known as c.317G>T), located in coding exon 2 of the TCAP gene, results from a G to T substitution at nucleotide position 317. The arginine at codon 106 is replaced by leucine, an amino acid with dissimilar properties. This alteration has been reported in a hypertrophic cardiomyopathy (HCM) cohort; however, clinical details were limited (Lopes LR et al. Heart, 2015 Feb;101:294-301). This amino acid position is well conserved in available vertebrate species. In addition, the in silico prediction for this alteration is inconclusive. Since supporting evidence is limited at this time, the clinical significance of this alteration remains unclear.

Literature cited by the submitters: PubMed 25351510 (cited by Ambry Genetics).